The following is an entry in ClinVar:

ClinVar aggregate classification (germline): Likely benign. Review status: criteria provided, multiple submitters, no conflicts (2 of 4 stars). 2 submissions from 2 submitters: Likely benign (2). Last evaluated 2024-10-15.

Allele frequency attached by ClinVar (database versions not stated): 1000 Genomes Project 30x 0.00031.
gnomAD v4.1: 255 of 1,550,704 alleles (0.016%); highest among the groups gnomAD compares: Non-Finnish European, 0.02%; no homozygotes.

Submissions (2):

Blueprint Genetics
Classification: Likely benign. Last evaluated: 2024-10-15. Review status: criteria provided, single submitter. Criteria: ACMG Guidelines, 2015. Collection method: clinical testing. Allele origin: germline.

CeGaT Center for Human Genetics Tuebingen
Classification: Likely benign. Last evaluated: 2024-07-01. Review status: criteria provided, single submitter. Criteria: CeGaT Center For Human Genetics Tuebingen Variant Classification Criteria Version 2. Collection method: clinical testing. Allele origin: germline. Affected: yes. Observed: 2 variant alleles.
Comment: KIF1A: BP4, BP7

NM_001244008.2(KIF1A):c.2838C>T (p.Pro946=)

Gene: KIF1A (kinesin family member 1A; minus strand). Cytogenetic location: 2q37.3.
Variant type: single nucleotide variant.
Coding change: c.2838C>T on transcript NM_001244008.2 (MANE Select); coding-DNA position 2838, C replaced by T.
Protein change: p.Pro946=; no amino-acid change (proline 946 retained).
Molecular consequence: synonymous variant. On other transcripts: intron variant (18).
Genome position (GRCh38, 1-based): chr2:240,757,339, G>A on the plus strand (C>T on the coding strand, the complement: KIF1A is on the minus strand). VCF-style: chr2-240757339-G-A. GRCh37 (hg19) VCF-style: chr2-241696756-G-A.
Other names: c.2913C>T, p.Pro971= (NM_001379631.1); c.2787C>T, p.Pro929= (NM_001379632.1); c.2811C>T, p.Pro937= (NM_001379633.1, NM_001379642.1, NM_001379645.1); c.2555+1021C>T (NM_001379653.1, NM_001379650.1, NM_001379640.1 and 6 more transcripts); c.2657+1021C>T (NM_001379635.1, NM_001330290.2, NM_001379646.1 and 1 more transcripts); c.2630+1021C>T (NM_001379637.1, NM_001379648.1); c.2582+1021C>T (NM_001320705.2, NM_001379638.1, NM_001330289.2).
Identifiers: ClinVar variation 2571129 (VCV002571129.28), dbSNP rs758316163, ClinGen allele CA2208009.